The following is an entry in ClinVar:

ClinVar aggregate classification (germline): Uncertain significance (1 of 4 stars; one submission).

Conditions:
Joubert syndrome. Also called: CEREBELLOPARENCHYMAL DISORDER IV; JOUBERT-BOLTSHAUSER SYNDROME; Familial aplasia of the vermis. Identifiers: Orphanet 475, MedGen C5979921, MONDO:0018772.
Orofaciodigital syndrome I (OFD1). Also called: OFDS I; Papillon-Leage and Psaume Syndrome; Oral-Facial-Digital Syndrome Type I. Identifiers: Orphanet 2750, MedGen C1510460, MONDO:0010702, OMIM 311200.

Allele frequency attached by ClinVar (database versions not stated): gnomAD exomes below 0.00001; TOPMed 0.00001.

Submission:

Labcorp Genetics (formerly Invitae), Labcorp
Classification: Uncertain significance for Orofaciodigital syndrome I; Joubert syndrome. Last evaluated: 2025-06-12. Review status: criteria provided, single submitter. Criteria: Invitae Variant Classification Sherloc (09022015). Collection method: clinical testing. Allele origin: germline.
Comment: This sequence change replaces arginine, which is basic and polar, with glycine, which is neutral and non-polar, at codon 169 of the OFD1 protein (p.Arg169Gly). This variant is not present in population databases (gnomAD no frequency). This variant has not been reported in the literature in individuals affected with OFD1-related conditions. ClinVar contains an entry for this variant (Variation ID: 2926106). Invitae Evidence Modeling of protein sequence and biophysical properties (such as structural, functional, and spatial information, amino acid conservation, physicochemical variation, residue mobility, and thermodynamic stability) indicates that this missense variant is not expected to disrupt OFD1 protein function with a negative predictive value of 80%. In summary, the available evidence is currently insufficient to determine the role of this variant in disease. Therefore, it has been classified as a Variant of Uncertain Significance.

NM_003611.3(OFD1):c.505A>G (p.Arg169Gly)

Gene: OFD1 (OFD1 centriole and centriolar satellite protein; plus strand). Cytogenetic location: Xp22.2.
Variant type: single nucleotide variant.
Coding change: c.505A>G on transcript NM_003611.3 (MANE Select); coding-DNA position 505, A replaced by G.
Protein change: p.Arg169Gly; replaces arginine 169 with glycine.
Molecular consequence: missense variant.
Genome position (GRCh38, 1-based): chrX:13,744,507, A>G. VCF-style: chrX-13744507-A-G. GRCh37 (hg19) VCF-style: chrX-13762626-A-G.
Other names: c.505A>G, p.Arg169Gly (NM_001330209.2); c.85A>G, p.Arg29Gly (NM_001330210.2); short protein forms R169G, R29G.
Identifiers: ClinVar variation 2926106 (VCV002926106.3), dbSNP rs1435014924, ClinGen allele CA412336387.